The following is an entry in ClinVar:

NM_001134407.3(GRIN2A):c.2870G>A (p.Gly957Glu)

Gene: GRIN2A (glutamate ionotropic receptor NMDA type subunit 2A; minus strand). Cytogenetic location: 16p13.2.
Variant type: single nucleotide variant.
Coding change: c.2870G>A on transcript NM_001134407.3 (MANE Select); coding-DNA position 2870, G replaced by A.
Protein change: p.Gly957Glu; replaces glycine 957 with glutamic acid.
Molecular consequence: missense variant.
Genome position (GRCh38, 1-based): chr16:9,764,674, C>T on the plus strand (G>A on the coding strand, the complement: GRIN2A is on the minus strand). VCF-style: chr16-9764674-C-T. GRCh37 (hg19) VCF-style: chr16-9858531-C-T.
Other names: c.2870G>A, p.Gly957Glu (NM_000833.5, NM_001134408.2); short protein forms G957E.
Identifiers: ClinVar variation 1213812 (VCV001213812.4), dbSNP rs2141136377, ClinGen allele CA394709172.

ClinVar aggregate classification (germline): Uncertain significance. Review status: criteria provided, multiple submitters, no conflicts (2 of 4 stars). 2 submissions from 2 submitters: Uncertain significance (2). Last evaluated 2022-09-29.

Conditions:
Landau-Kleffner syndrome (FESD). Also called: EPILEPSY, FOCAL, WITH SPEECH DISORDER AND WITH OR WITHOUT MENTAL RETARDATION; APHASIA, ACQUIRED, WITH EPILEPSY. Identifiers: Orphanet 1945, Orphanet 725, Orphanet 98818, MedGen C0282512, MONDO:0009509, OMIM 245570.

Allele frequency attached by ClinVar (database versions not stated): gnomAD exomes below 0.00001.
gnomAD v4.1: 3 of 1,614,166 alleles (0.00019%); highest among the groups gnomAD compares: African/African-American, 0.0027%; no homozygotes.

Submissions (2):

Illumina Laboratory Services, Illumina
Classification: Uncertain significance. Last evaluated: 2022-09-29. Review status: criteria provided, single submitter. Criteria: ICSL CNVClassificationCriteria Aug2020. Collection method: clinical testing. Allele origin: unknown. Affected: yes.
Comment: The GRIN2A c.2870G>A (p.Gly957Glu) missense variant results in the substitution of glycine at amino acid position 957 with glutamic acid. To our knowledge, this variant has not been reported in the peer-reviewed literature. This variant is not found in version 2.1.1 or version 3.1.2 of the Genome Aggregation Database. Based on the available evidence, the c.2870G>A (p.Gly957Glu) variant is classified as a variant of uncertain significance for GRIN2A-related complex neurodevelopmental disorder.

New York Genome Center
Classification: Uncertain significance for Landau-Kleffner syndrome. Last evaluated: 2020-09-23. Review status: criteria provided, single submitter. Criteria: NYGC Assertion Criteria 2020. Collection method: clinical testing. Allele origin: inherited. Observed: 1 heterozygote. Study: CSER-NYCKidSeq.